The following is an entry in ClinVar:

NM_020921.4(NIN):c.4835A>G (p.Gln1612Arg)

Gene: NIN (ninein; minus strand). Cytogenetic location: 14q22.1.
Variant type: single nucleotide variant.
Coding change: c.4835A>G on transcript NM_020921.4 (MANE Select); coding-DNA position 4835, A replaced by G.
Protein change: p.Gln1612Arg; replaces glutamine 1612 with arginine.
Molecular consequence: missense variant.
Genome position (GRCh38, 1-based): chr14:50,752,633, T>C on the plus strand (A>G on the coding strand, the complement: NIN is on the minus strand). VCF-style: chr14-50752633-T-C. GRCh37 (hg19) VCF-style: chr14-51219351-T-C.
Other names: c.2696A>G, p.Gln899Arg (NM_016350.5); c.4835A>G, p.Gln1612Arg (NM_182944.3, NM_182946.2); short protein forms Q1612R, Q899R.
Identifiers: ClinVar variation 2833022 (VCV002833022.3), dbSNP rs2041836868, ClinGen allele CA389687607.

ClinVar aggregate classification (germline): Uncertain significance (1 of 4 stars; one submission).

Submission:

Labcorp Genetics (formerly Invitae), Labcorp
Classification: Uncertain significance. Last evaluated: 2023-02-03. Review status: criteria provided, single submitter. Criteria: Invitae Variant Classification Sherloc (09022015). Collection method: clinical testing. Allele origin: germline.
Comment: This variant has not been reported in the literature in individuals affected with NIN-related conditions. This variant is not present in population databases (gnomAD no frequency). This sequence change replaces glutamine, which is neutral and polar, with arginine, which is basic and polar, at codon 1612 of the NIN protein (p.Gln1612Arg). Algorithms developed to predict the effect of missense changes on protein structure and function (SIFT, PolyPhen-2, Align-GVGD) all suggest that this variant is likely to be tolerated. In summary, the available evidence is currently insufficient to determine the role of this variant in disease. Therefore, it has been classified as a Variant of Uncertain Significance.